The following is an entry in ClinVar:

ClinVar aggregate classification (germline): Pathogenic (1 of 4 stars; one submission).

Conditions:
Multiple gastrointestinal atresias. Also called: Multiple intestinal atresia; FAMILIAL INTESTINAL POLYATRESIA SYNDROME. Identifiers: Orphanet 2300, MedGen C0220744, MONDO:0009465.

Allele frequency attached by ClinVar (database versions not stated): gnomAD 0.00001; 1000 Genomes Project 30x 0.00016; 1000 Genomes Project 0.00020.
gnomAD v4.1: 2 of 1,613,830 alleles (0.00012%); highest among the groups gnomAD compares: African/African-American, 0.0027%; no homozygotes.

Submission:

Labcorp Genetics (formerly Invitae), Labcorp
Classification: Pathogenic for Multiple gastrointestinal atresias. Last evaluated: 2022-07-06. Review status: criteria provided, single submitter. Criteria: Invitae Variant Classification Sherloc (09022015). Collection method: clinical testing. Allele origin: germline.
Comment: ClinVar contains an entry for this variant (Variation ID: 1451842). This sequence change creates a premature translational stop signal (p.Glu595*) in the TTC7A gene. It is expected to result in an absent or disrupted protein product. Loss-of-function variants in TTC7A are known to be pathogenic (PMID: 23830146, 24292712). This variant is present in population databases (rs201481224, gnomAD 0.007%). This variant has not been reported in the literature in individuals affected with TTC7A-related conditions. For these reasons, this variant has been classified as Pathogenic.

Literature cited by the submitters: PubMed 23830146; PubMed 24292712.

NM_020458.4(TTC7A):c.1783G>T (p.Glu595Ter)

Gene: TTC7A (tetratricopeptide repeat domain 7A; plus strand). Cytogenetic location: 2p21.
Variant type: single nucleotide variant.
Coding change: c.1783G>T on transcript NM_020458.4 (MANE Select); coding-DNA position 1783, G replaced by T.
Protein change: p.Glu595Ter; replaces glutamic acid 595 with a stop codon.
Molecular consequence: nonsense.
Genome position (GRCh38, 1-based): chr2:47,029,365, G>T. VCF-style: chr2-47029365-G-T. GRCh37 (hg19) VCF-style: chr2-47256504-G-T.
Other names: c.1783G>T, p.Glu595Ter (NM_001288951.2); c.1681G>T, p.Glu561Ter (NM_001288953.2); c.721G>T, p.Glu241Ter (NM_001288955.2); short protein forms E595*, E241*, E561*.
Identifiers: ClinVar variation 1451842 (VCV001451842.6), dbSNP rs201481224, ClinGen allele CA1647844.
Genomic context (GRCh38, chr2:47,029,365, plus strand): 5'-CTCTTCTCTGCCCAGAAGCACCACCAGCATGCCCTGGATGTTGTCAACATGGCCATCACC[G>T]AGCACCCTGAGAACTTCAAGTGAGTGCCCTGGGAACACTCTGGCAGTGGGGGAGCTGGCT-3'